The following is an entry in ClinVar:

NM_016955.4(SEPSECS):c.*2694A>G

Gene: SEPSECS (Sep (O-phosphoserine) tRNA:Sec (selenocysteine) tRNA synthase; minus strand). Cytogenetic location: 4p15.2.
Variant type: single nucleotide variant.
Coding change: c.*2694A>G on transcript NM_016955.4 (MANE Select); 2694 bases downstream of the stop codon, A replaced by G.
Molecular consequence: 3 prime UTR variant.
Genome position (GRCh38, 1-based): chr4:25,121,237, T>C on the plus strand (A>G on the coding strand, the complement: SEPSECS is on the minus strand). VCF-style: chr4-25121237-T-C. GRCh37 (hg19) VCF-style: chr4-25122859-T-C.
Identifiers: ClinVar variation 348522 (VCV000348522.6), dbSNP rs956925, ClinGen allele CA10617657.

ClinVar aggregate classification (germline): Likely benign. Review status: criteria provided, multiple submitters, no conflicts (2 of 4 stars). 2 submissions from 2 submitters: Likely benign (2). Last evaluated 2017-04-27.

Conditions:
Pontocerebellar hypoplasia type 2D (PCH2D). Also called: Progressive cerebello-cerebral atrophy. Identifiers: Orphanet 247198, Orphanet 2524, MedGen C3151140, MONDO:0013438, OMIM 613811.

Allele frequency attached by ClinVar (database versions not stated): TOPMed 0.08786; gnomAD 0.07936; 1000 Genomes Project 0.11581; 1000 Genomes Project 30x 0.11821.

Submissions (2):

Illumina Laboratory Services, Illumina
Classification: Likely benign for Pontocerebellar hypoplasia type 2D. Last evaluated: 2017-04-27. Review status: criteria provided, single submitter. Criteria: ICSL Variant Classification Criteria 13 December 2019. Collection method: clinical testing. Allele origin: germline.
Comment: This variant was observed as part of a predisposition screen in an ostensibly healthy population. A literature search was performed for the gene, cDNA change, and amino acid change (where applicable). No publications were found based on this search. Allele frequency data from public databases allowed determination this variant is unlikely to cause disease. Therefore, this variant is classified as likely benign.

Breakthrough Genomics
Classification: Likely benign. Review status: criteria provided, single submitter. Criteria: ACMG Guidelines, 2015. Collection method: not provided. Allele origin: germline. Inheritance: Autosomal recessive inheritance. Affected: yes.